The following is an entry in ClinVar:

NM_001253697.2(ERBIN):c.2291A>G (p.Asn764Ser)

Gene: ERBIN (erbb2 interacting protein; plus strand). Cytogenetic location: 5q12.3.
Variant type: single nucleotide variant.
Coding change: c.2291A>G on transcript NM_001253697.2 (MANE Select); coding-DNA position 2291, A replaced by G.
Protein change: p.Asn764Ser; replaces asparagine 764 with serine.
Molecular consequence: missense variant.
Genome position (GRCh38, 1-based): chr5:66,053,609, A>G. VCF-style: chr5-66053609-A-G. GRCh37 (hg19) VCF-style: chr5-65349437-A-G.
Other names: c.2291A>G, p.Asn764Ser (NM_001006600.3, NM_001253698.2, NM_001253699.2 and 1 more transcripts); c.2279A>G, p.Asn760Ser (NM_001253701.2); short protein forms N760S, N764S.
Identifiers: ClinVar variation 2170513 (VCV002170513.4), dbSNP rs772102071, ClinGen allele CA3286456.
Genomic context (GRCh38, chr5:66,053,609, plus strand): 5'-TTGAGAAAAGTGTTGACTCAACAGCCACAGCTGATGACACTCACAAATTAGATCATATCA[A>G]TATGAATCTTAATAAACTTATAACTAATGATACATTTCAACCAGAGATCATGGAAAGATC-3'
Protein context (NP_001240626.1, residues 754-774): ADDTHKLDHI[Asn764Ser]MNLNKLITND

ClinVar aggregate classification (germline): Uncertain significance (1 of 4 stars; one submission).

Allele frequency attached by ClinVar (database versions not stated): gnomAD 0.00001; gnomAD exomes 0.00002; TOPMed 0.00002; ExAC 0.00009.
gnomAD v4.1: 23 of 1,610,744 alleles (0.0014%); highest among the groups gnomAD compares: Admixed American, 0.034%; no homozygotes.

Submission:

Labcorp Genetics (formerly Invitae), Labcorp
Classification: Uncertain significance. Last evaluated: 2025-03-16. Review status: criteria provided, single submitter. Criteria: Invitae Variant Classification Sherloc (09022015). Collection method: clinical testing. Allele origin: germline.
Comment: This sequence change replaces asparagine, which is neutral and polar, with serine, which is neutral and polar, at codon 764 of the ERBIN protein (p.Asn764Ser). This variant is present in population databases (rs772102071, gnomAD 0.06%), and has an allele count higher than expected for a pathogenic variant. This variant has not been reported in the literature in individuals affected with ERBIN-related conditions. ClinVar contains an entry for this variant (Variation ID: 2170513). An algorithm developed to predict the effect of missense changes on protein structure and function (PolyPhen-2) suggests that this variant is likely to be disruptive. In summary, the available evidence is currently insufficient to determine the role of this variant in disease. Therefore, it has been classified as a Variant of Uncertain Significance.